The following is an entry in ClinVar:

NM_002474.3(MYH11):c.4239C>T (p.Ala1413=)

Genes: MYH11 (myosin heavy chain 11; minus strand), NDE1 (nudE neurodevelopment protein 1; plus strand). Cytogenetic location: 16p13.11.
Variant type: single nucleotide variant.
Coding change: c.4239C>T on transcript NM_002474.3 (MANE Select); coding-DNA position 4239, C replaced by T.
Protein change: p.Ala1413=; no amino-acid change (alanine 1413 retained).
Molecular consequence: synonymous variant. On other transcripts: 3 prime UTR variant (2).
Genome position (GRCh38, 1-based): chr16:15,724,287, G>A on the plus strand (C>T on the coding strand, the complement: MYH11 is on the minus strand). VCF-style: chr16-15724287-G-A. GRCh37 (hg19) VCF-style: chr16-15818144-G-A.
Other names: c.4260C>T, p.Ala1420= (NM_001040113.2, NM_001040114.2); c.4239C>T, p.Ala1413= (NM_022844.3); c.*36G>A (NM_001143979.2, NM_017668.3).
Identifiers: ClinVar variation 263393 (VCV000263393.41), dbSNP rs138573101, ClinGen allele CA7921728.
Genomic context (GRCh38, chr16:15,724,287, plus strand): 5'-AACCAGGTCGTCCAGCTCCTGCTGAAGCCTGTTCTTGGTCTTTTCCAGTTTATCATAAGC[G>A]GCCGCCTTCTCCTCGTACTGCTGGGTGAGGTTCTCGATCTCCTTCTGGAACCTCTTCTTC-3'
Protein context (NP_002465.1, residues 1403-1423): NLTQQYEEKA[Ala1413=]AYDKLEKTKN

ClinVar aggregate classification (germline): Benign/Likely benign. Review status: criteria provided, multiple submitters, no conflicts (2 of 4 stars). 14 submissions from 14 submitters: Benign (8); Likely benign (3). 3 of the submissions do not count toward it. Last evaluated 2026-03-01.

Conditions:
Familial thoracic aortic aneurysm and aortic dissection (TAAD). Also called: Thoracic aortic aneurysms and dissections. Identifiers: Orphanet 91387, MedGen C4707243, MONDO:0019625.
Aortic aneurysm, familial thoracic 4 (AAT4). Also called: AORTIC ANEURYSM/AORTIC DISSECTION AND PATENT DUCTUS ARTERIOSUS. Identifiers: MedGen C1851504, MONDO:0007568, OMIM 132900.

Allele frequency attached by ClinVar (database versions not stated): gnomAD exomes 0.00023 and 0.00059; ExAC 0.00066; gnomAD 0.00226; 1000 Genomes Project 0.00240; TOPMed 0.00267; ESP Exome Variant Server 0.00277; 1000 Genomes Project 30x 0.00312.
gnomAD v4.1: 691 of 1,614,148 alleles (0.043%); highest among the groups gnomAD compares: African/African-American, 0.79%; 1 homozygote.

Submissions (14):

CeGaT Center for Human Genetics Tuebingen
Classification: Likely benign. Last evaluated: 2026-03-01. Review status: criteria provided, single submitter. Criteria: CeGaT Center For Human Genetics Tuebingen Variant Classification Criteria Version 2. Collection method: clinical testing. Allele origin: germline. Affected: yes. Observed: 1 variant allele.
Comment: MYH11: BP4, BP7

Labcorp Genetics (formerly Invitae), Labcorp
Classification: Benign for Aortic aneurysm, familial thoracic 4. Last evaluated: 2026-01-31. Review status: criteria provided, single submitter. Criteria: Invitae Variant Classification Sherloc (09022015). Collection method: clinical testing. Allele origin: germline.

Blueprint Genetics
Classification: Likely benign. Last evaluated: 2024-11-26. Review status: criteria provided, single submitter. Criteria: ACMG Guidelines, 2015. Collection method: clinical testing. Allele origin: germline.

All of Us Research Program, National Institutes of Health
Classification: Benign for Familial thoracic aortic aneurysm and aortic dissection. Last evaluated: 2024-02-05. Review status: criteria provided, single submitter. Criteria: ACMG Guidelines, 2015. Collection method: clinical testing. Allele origin: germline. Inheritance: Autosomal dominant inheritance. Observed: 140 variant alleles, 140 heterozygotes.
Comment: This study involves interpretation of variants in research participants for the purpose of population health screening. Participant phenotype was not available at the time of variant classification. Additional details can be found in publication PMID: 35346344, PMCID: PMC8962531

Women's Health and Genetics/Laboratory Corporation of America, LabCorp
Classification: Benign. Last evaluated: 2021-08-14. Review status: criteria provided, single submitter. Criteria: LabCorp Variant Classification Summary - May 2015. Collection method: clinical testing. Allele origin: germline.

ARUP Laboratories, Molecular Genetics and Genomics, ARUP Laboratories
Classification: Benign. Last evaluated: 2021-07-30. Review status: criteria provided, single submitter. Criteria: ARUP Molecular Germline Variant Investigation Process 2021. Collection method: clinical testing. Allele origin: germline.

Color Diagnostics, LLC DBA Color Health
Classification: Benign for Familial thoracic aortic aneurysm and aortic dissection. Last evaluated: 2018-08-25. Review status: criteria provided, single submitter. Criteria: ACMG Guidelines, 2015. Collection method: clinical testing. Allele origin: germline.

CHEO Genetics Diagnostic Laboratory, Children's Hospital of Eastern Ontario
Classification: Benign for Familial thoracic aortic aneurysm and aortic dissection. Last evaluated: 2017-11-08. Review status: criteria provided, single submitter. Criteria: ACMG Guidelines, 2015. Collection method: clinical testing. Allele origin: germline.

Ambry Genetics
Classification: Likely benign for Familial thoracic aortic aneurysm and aortic dissection. Last evaluated: 2016-07-27. Review status: criteria provided, single submitter. Criteria: Ambry Variant Classification Scheme 2023. Collection method: clinical testing. Allele origin: germline.

Eurofins Ntd Llc (ga)
Classification: Benign. Last evaluated: 2015-08-28. Review status: criteria provided, single submitter. Criteria: EGL Classification Definitions 2015. Collection method: clinical testing. Allele origin: germline. Observed: 1 variant allele, 1 heterozygote.

GeneDx
Classification: Benign. Last evaluated: 2015-03-03. Review status: criteria provided, single submitter. Criteria: GeneDx Variant Classification Process June 2021. Collection method: clinical testing. Allele origin: germline. Affected: yes.

Genome Diagnostics Laboratory, Amsterdam University Medical Center
Classification: Benign. Review status: no assertion criteria provided. Collection method: clinical testing. Allele origin: germline. Affected: yes. Study: VKGL Data-share Consensus. Not counted in ClinVar's aggregate classification.

Genome Diagnostics Laboratory, University Medical Center Utrecht
Classification: Benign. Review status: no assertion criteria provided. Collection method: clinical testing. Allele origin: germline. Affected: yes. Study: VKGL Data-share Consensus. Not counted in ClinVar's aggregate classification.

Joint Genome Diagnostic Labs from Nijmegen and Maastricht, Radboudumc and MUMC+
Classification: Benign. Review status: no assertion criteria provided. Collection method: clinical testing. Allele origin: germline. Affected: yes. Study: VKGL Data-share Consensus. Not counted in ClinVar's aggregate classification.